The following is an entry in ClinVar:

ClinVar aggregate classification (germline): Uncertain significance. Review status: criteria provided, multiple submitters, no conflicts (2 of 4 stars). 3 submissions from 3 submitters: Uncertain significance (3). Last evaluated 2023-12-26.

Conditions:
Microcephaly, normal intelligence and immunodeficiency (NBS). Also called: BERLIN BREAKAGE SYNDROME; Ataxia telangiectasia variant V1; IMMUNODEFICIENCY, MICROCEPHALY, AND CHROMOSOMAL INSTABILITY; SEEMANOVA SYNDROME II; Immunodeficiency, microcephaly with normal intelligence; Nijmegen breakage syndrome. Identifiers: Orphanet 647, MedGen C0398791, MONDO:0009623, OMIM 251260.
Aplastic anemia. Identifiers: Orphanet 182040, Orphanet 88, MedGen C0002874, MONDO:0015909, OMIM 609135, HP:0001915.

gnomAD v4.1: 1 of 1,561,718 alleles (0.000064%); highest among the groups gnomAD compares: East Asian, 0.0023%; no homozygotes.

Submissions (3):

Labcorp Genetics (formerly Invitae), Labcorp
Classification: Uncertain significance for Microcephaly, normal intelligence and immunodeficiency. Last evaluated: 2023-12-26. Review status: criteria provided, single submitter. Criteria: Invitae Variant Classification Sherloc (09022015). Collection method: clinical testing. Allele origin: germline.
Comment: This sequence change falls in intron 13 of the NBN gene. It does not directly change the encoded amino acid sequence of the NBN protein. It affects a nucleotide within the consensus splice site. This variant is not present in population databases (gnomAD no frequency). This variant has not been reported in the literature in individuals affected with NBN-related conditions. ClinVar contains an entry for this variant (Variation ID: 629308). Variants that disrupt the consensus splice site are a relatively common cause of aberrant splicing (PMID: 17576681, 9536098). Algorithms developed to predict the effect of sequence changes on RNA splicing suggest that this variant may disrupt the consensus splice site. In summary, the available evidence is currently insufficient to determine the role of this variant in disease. Therefore, it has been classified as a Variant of Uncertain Significance.

Baylor Genetics
Classification: Uncertain significance for Aplastic anemia. Last evaluated: 2023-04-30. Review status: criteria provided, single submitter. Criteria: ACMG Guidelines, 2015. Collection method: clinical testing. Allele origin: unknown.

Genome-Nilou Lab
Classification: Uncertain significance for Microcephaly, normal intelligence and immunodeficiency. Last evaluated: 2021-11-07. Review status: criteria provided, single submitter. Criteria: ACMG Guidelines, 2015. Collection method: clinical testing. Allele origin: germline. Affected: no.

Literature cited by the submitters: PubMed 17576681 (cited by Labcorp Genetics (formerly Invitae), Labcorp); PubMed 9536098 (cited by Labcorp Genetics (formerly Invitae), Labcorp).

NM_002485.5(NBN):c.2070+5G>A

Gene: NBN (nibrin; minus strand). Cytogenetic location: 8q21.3.
Variant type: single nucleotide variant.
Coding change: c.2070+5G>A on transcript NM_002485.5 (MANE Select); 5 bases into the intron after coding-DNA position 2070, G replaced by A.
Molecular consequence: intron variant.
Genome position (GRCh38, 1-based): chr8:89,946,135, C>T on the plus strand (G>A on the coding strand, the complement: NBN is on the minus strand). VCF-style: chr8-89946135-C-T. GRCh37 (hg19) VCF-style: chr8-90958363-C-T.
Other names: c.1824+5G>A (NM_001024688.3).
Identifiers: ClinVar variation 629308 (VCV000629308.12), dbSNP rs1323512485, ClinGen allele CA913187594.